The following is an entry in ClinVar:

NM_058179.4(PSAT1):c.865T>C (p.Tyr289His)

Gene: PSAT1 (phosphoserine aminotransferase 1; plus strand). Cytogenetic location: 9q21.2.
Variant type: single nucleotide variant.
Coding change: c.865T>C on transcript NM_058179.4 (MANE Select); coding-DNA position 865, T replaced by C.
Protein change: p.Tyr289His; replaces tyrosine 289 with histidine.
Molecular consequence: missense variant.
Genome position (GRCh38, 1-based): chr9:78,317,800, T>C. VCF-style: chr9-78317800-T-C. GRCh37 (hg19) VCF-style: chr9-80932716-T-C.
Other names: c.865T>C, p.Tyr289His (NM_021154.5); short protein forms Y289H.
Identifiers: ClinVar variation 1384418 (VCV001384418.8), dbSNP rs1828370943, ClinGen allele CA373857655.

ClinVar aggregate classification (germline): Uncertain significance (1 of 4 stars; one submission).

Conditions:
Neu-Laxova syndrome 2. Identifiers: Orphanet 2671, Orphanet 583602, MedGen C4015019, MONDO:0014466, OMIM 616038.

Allele frequency attached by ClinVar (database versions not stated): gnomAD exomes below 0.00001; TOPMed 0.00001.
gnomAD v4.1: 1 of 1,612,564 alleles (0.000062%); highest among the groups gnomAD compares: Non-Finnish European, 0.000085%; no homozygotes.

Submission:

Labcorp Genetics (formerly Invitae), Labcorp
Classification: Uncertain significance for Neu-Laxova syndrome 2. Last evaluated: 2021-05-29. Review status: criteria provided, single submitter. Criteria: Invitae Variant Classification Sherloc (09022015). Collection method: clinical testing. Allele origin: germline.
Comment: This variant has not been reported in the literature in individuals with PSAT1-related conditions. This variant is not present in population databases (ExAC no frequency). This sequence change replaces tyrosine with histidine at codon 289 of the PSAT1 protein (p.Tyr289His). The tyrosine residue is highly conserved and there is a moderate physicochemical difference between tyrosine and histidine. Algorithms developed to predict the effect of missense changes on protein structure and function (SIFT, PolyPhen-2, Align-GVGD) all suggest that this variant is likely to be disruptive, but these predictions have not been confirmed by published functional studies and their clinical significance is uncertain. In summary, the available evidence is currently insufficient to determine the role of this variant in disease. Therefore, it has been classified as a Variant of Uncertain Significance.